The following is an entry in ClinVar:

ClinVar aggregate classification (germline): Uncertain significance (1 of 4 stars; one submission).

Conditions:
Hereditary cancer-predisposing syndrome. Also called: Neoplastic Syndromes, Hereditary; Tumor predisposition; Hereditary neoplastic syndrome; Hereditary Cancer Syndrome. Identifiers: Orphanet 140162, MedGen C0027672, MeSH D009386, MONDO:0015356.
Cardiovascular phenotype. Identifiers: MedGen CN230736.

Allele frequency attached by ClinVar (database versions not stated): gnomAD exomes below 0.00001; ExAC 0.00001.
gnomAD v4.1: 1 of 1,614,050 alleles (0.000062%); highest among the groups gnomAD compares: South Asian, 0.0011%; no homozygotes.

Submission:

Ambry Genetics
Classification: Uncertain significance for Cardiovascular phenotype; Hereditary cancer-predisposing syndrome. Last evaluated: 2023-06-15. Review status: criteria provided, single submitter. Criteria: Ambry Variant Classification Scheme 2023. Collection method: clinical testing. Allele origin: germline.
Comment: The p.S2170C variant (also known as c.6509C>G), located in coding exon 42 of the NF1 gene, results from a C to G substitution at nucleotide position 6509. The serine at codon 2170 is replaced by cysteine, an amino acid with dissimilar properties. This amino acid position is highly conserved in available vertebrate species. In addition, this alteration is predicted to be tolerated by in silico analysis. Since supporting evidence is limited at this time, the clinical significance of this alteration remains unclear.

NM_001042492.3(NF1):c.6572C>G (p.Ser2191Cys)

Gene: NF1 (neurofibromin 1; plus strand). Cytogenetic location: 17q11.2.
Variant type: single nucleotide variant.
Coding change: c.6572C>G on transcript NM_001042492.3 (MANE Select); coding-DNA position 6572, C replaced by G.
Protein change: p.Ser2191Cys; replaces serine 2191 with cysteine.
Molecular consequence: missense variant.
Genome position (GRCh38, 1-based): chr17:31,337,512, C>G. VCF-style: chr17-31337512-C-G. GRCh37 (hg19) VCF-style: chr17-29664530-C-G.
Other names: c.6509C>G, p.Ser2170Cys (NM_000267.4); short protein forms S2170C, S2191C.
Identifiers: ClinVar variation 826455 (VCV000826455.4), dbSNP rs765598479, ClinGen allele CA8487367.
Genomic context (GRCh38, chr17:31,337,512, plus strand): 5'-AGTCAGCTGCTGTCATTGCCTTCCGTTCCAGTTACCGGGACAGGTCATTCTCTCCTGGCT[C>G]CTATGAGAGAGAGACTTTTGCTTTGACATCCTTGGAAACAGTCACAGAAGCTTTGTTGGA-3'
Protein context (NP_001035957.1, residues 2181-2201): SYRDRSFSPG[Ser2191Cys]YERETFALTS